The following is an entry in ClinVar:

NM_003482.4(KMT2D):c.5073A>G (p.Pro1691=)

Gene: KMT2D (lysine methyltransferase 2D; minus strand). Cytogenetic location: 12q13.12.
Variant type: single nucleotide variant.
Coding change: c.5073A>G on transcript NM_003482.4 (MANE Select); coding-DNA position 5073, A replaced by G.
Protein change: p.Pro1691=; no amino-acid change (proline 1691 retained).
Molecular consequence: synonymous variant.
Genome position (GRCh38, 1-based): chr12:49,044,413, T>C on the plus strand (A>G on the coding strand, the complement: KMT2D is on the minus strand). VCF-style: chr12-49044413-T-C. GRCh37 (hg19) VCF-style: chr12-49438196-T-C.
Other names: c.5073A>G (NM_003482.3).
Identifiers: ClinVar variation 1565762 (VCV001565762.16), dbSNP rs768138617, ClinGen allele CA6547648.

ClinVar aggregate classification (germline): Likely benign. Review status: criteria provided, multiple submitters, no conflicts (2 of 4 stars). 4 submissions from 4 submitters: Likely benign (3). 1 of the submissions does not count toward it. Last evaluated 2026-01-01.

Conditions:
KMT2D-related disorder. Also called: KMT2D-Related Disorders.
Kabuki syndrome. Also called: Kabuki make-up syndrome; NIIKAWA-KUROKI SYNDROME. Identifiers: Orphanet 2322, MedGen C0796004, MONDO:0016512.

Allele frequency attached by ClinVar (database versions not stated): TOPMed below 0.00001; gnomAD 0.00001.
gnomAD v4.1: 10 of 1,613,476 alleles (0.00062%); highest among the groups gnomAD compares: Middle Eastern, 0.033%; no homozygotes.

Submissions (4):

CeGaT Center for Human Genetics Tuebingen
Classification: Likely benign. Last evaluated: 2026-01-01. Review status: criteria provided, single submitter. Criteria: CeGaT Center For Human Genetics Tuebingen Variant Classification Criteria Version 2. Collection method: clinical testing. Allele origin: germline. Affected: yes. Observed: 1 variant allele.
Comment: KMT2D: BP4, BP7

Labcorp Genetics (formerly Invitae), Labcorp
Classification: Likely benign for Kabuki syndrome. Last evaluated: 2025-12-19. Review status: criteria provided, single submitter. Criteria: Invitae Variant Classification Sherloc (09022015). Collection method: clinical testing. Allele origin: germline.

Blueprint Genetics
Classification: Likely benign. Last evaluated: 2022-09-26. Review status: criteria provided, single submitter. Criteria: ACMG Guidelines, 2015. Collection method: clinical testing. Allele origin: germline.

PreventionGenetics, part of Exact Sciences
Classification: Likely benign for KMT2D-related condition. Last evaluated: 2019-06-18. Review status: no assertion criteria provided. Collection method: clinical testing. Allele origin: germline. Not counted in ClinVar's aggregate classification.
Comment: This variant is classified as likely benign based on ACMG/AMP sequence variant interpretation guidelines (Richards et al. 2015 PMID: 25741868, with internal and published modifications).